The following is an entry in ClinVar:

NM_004333.6(BRAF):c.2263A>G (p.Ile755Val)

Gene: BRAF (B-Raf proto-oncogene, serine/threonine kinase; minus strand). Cytogenetic location: 7q34.
Variant type: single nucleotide variant.
Coding change: c.2263A>G on transcript NM_004333.6 (MANE Select); coding-DNA position 2263, A replaced by G.
Protein change: p.Ile755Val; replaces isoleucine 755 with valine.
Molecular consequence: missense variant. On other transcripts: intron variant (2).
Genome position (GRCh38, 1-based): chr7:140,734,635, T>C on the plus strand (A>G on the coding strand, the complement: BRAF is on the minus strand). VCF-style: chr7-140734635-T-C. GRCh37 (hg19) VCF-style: chr7-140434435-T-C.
Other names: c.2263A>G, p.Ile755Val (NM_001354609.2); c.2383A>G, p.Ile795Val (NM_001374244.1, NM_001374258.1); c.2272A>G, p.Ile758Val (NM_001378467.1); c.2197A>G, p.Ile733Val (NM_001378469.1); c.2161A>G, p.Ile721Val (NM_001378470.1); c.2152A>G, p.Ile718Val (NM_001378471.1); c.2107A>G, p.Ile703Val (NM_001378472.1, NM_001378473.1); c.1999A>G, p.Ile667Val (NM_001378475.1); and 1 more; short protein forms I718V, I758V, I721V, I795V, I667V, I733V, I755V, I703V.
Identifiers: ClinVar variation 1972641 (VCV001972641.5), dbSNP rs2535894045, ClinGen allele CA369537054.
Genomic context (GRCh38, chr7:140,734,635, plus strand): 5'-TGAACTCTCTCACTCATTTGTTTCAGTGGACAGGAAACGCACCATATCCCCCTGCCTGGA[T>C]GGGTGTTTTTGGAGAAGCACAAGCATATAGACTAAAATCCTCTGTTTGGAAACCAGCCCG-3'
Protein context (NP_004324.2, residues 745-765): LYACASPKTP[Ile755Val]QAGGYGAFPV

ClinVar aggregate classification (germline): Uncertain significance (1 of 4 stars; one submission).

Conditions:
RASopathy. Also called: Noonan spectrum disorder; rasopathies. Identifiers: Orphanet 536391, MedGen C5555857, MONDO:0021060.

Allele frequency attached by ClinVar (database versions not stated): gnomAD exomes below 0.00001.
gnomAD v4.1: 4 of 1,613,652 alleles (0.00025%); highest among the groups gnomAD compares: Non-Finnish European, 0.00017%; no homozygotes.

Submission:

Labcorp Genetics (formerly Invitae), Labcorp
Classification: Uncertain significance for RASopathy. Last evaluated: 2022-04-25. Review status: criteria provided, single submitter. Criteria: Invitae Variant Classification Sherloc (09022015). Collection method: clinical testing. Allele origin: germline.
Comment: This sequence change replaces isoleucine, which is neutral and non-polar, with valine, which is neutral and non-polar, at codon 755 of the BRAF protein (p.Ile755Val). This variant is not present in population databases (gnomAD no frequency). This variant has not been reported in the literature in individuals affected with BRAF-related conditions. Advanced modeling of protein sequence and biophysical properties (such as structural, functional, and spatial information, amino acid conservation, physicochemical variation, residue mobility, and thermodynamic stability) performed at Invitae indicates that this missense variant is not expected to disrupt BRAF protein function. In summary, the available evidence is currently insufficient to determine the role of this variant in disease. Therefore, it has been classified as a Variant of Uncertain Significance.